The following is an entry in ClinVar:

ClinVar aggregate classification (germline): Benign (1 of 4 stars; one submission).

Conditions:
Familial cancer of breast. Also called: BREAST CANCER, FAMILIAL; Hereditary breast cancer; hereditary breast carcinoma. Identifiers: Orphanet 227535, MedGen C0346153, MONDO:0016419, OMIM 114480. Disease mechanism: loss of function.

Submission:

Myriad Genetics, Inc.
Classification: Benign for Familial cancer of breast. Last evaluated: 2024-05-15. Review status: criteria provided, single submitter. Criteria: Myriad Autosomal Dominant, Autosomal Recessive and X-Linked Classification Criteria (2023). Collection method: clinical testing. Allele origin: unknown.
Comment: This variant is considered benign. This variant is a silent/synonymous amino acid change and it is not expected to impact splicing.

NM_000051.4(ATM):c.3712T>C (p.Leu1238=)

Gene: ATM (ATM serine/threonine kinase; plus strand). Cytogenetic location: 11q22.3.
Variant type: single nucleotide variant.
Coding change: c.3712T>C on transcript NM_000051.4 (MANE Select); coding-DNA position 3712, T replaced by C.
Protein change: p.Leu1238=; no amino-acid change (leucine 1238 retained).
Molecular consequence: synonymous variant.
Genome position (GRCh38, 1-based): chr11:108,282,845, T>C. VCF-style: chr11-108282845-T-C. GRCh37 (hg19) VCF-style: chr11-108153572-T-C.
Other names: c.3712T>C, p.Leu1238= (NM_001351834.2).
Identifiers: ClinVar variation 3254522 (VCV003254522.1), dbSNP rs2546880370.